The following is an entry in ClinVar:

NM_000038.6(APC):c.961A>T (p.Met321Leu)

Gene: APC (APC regulator of Wnt signaling pathway; plus strand). Cytogenetic location: 5q22.2.
Variant type: single nucleotide variant.
Coding change: c.961A>T on transcript NM_000038.6 (MANE Select); coding-DNA position 961, A replaced by T.
Protein change: p.Met321Leu; replaces methionine 321 with leucine.
Molecular consequence: missense variant. On other transcripts: non-coding transcript variant (2), intron variant (15).
Genome position (GRCh38, 1-based): chr5:112,818,993, A>T. VCF-style: chr5-112818993-A-T. GRCh37 (hg19) VCF-style: chr5-112154690-A-T.
Other names: c.961A>T, p.Met321Leu (NM_001127510.3, NM_001354895.2, NM_001354896.2 and 4 more transcripts); c.907A>T, p.Met303Leu (NM_001127511.3); c.991A>T, p.Met331Leu (NM_001354897.2, NM_001407446.1); c.886A>T, p.Met296Leu (NM_001354898.2, NM_001407451.1); c.877A>T, p.Met293Leu (NM_001354899.2, NM_001407452.1); c.784A>T, p.Met262Leu (NM_001354900.2, NM_001354901.2, NM_001407453.1); c.112A>T, p.Met38Leu (NM_001354906.2, NM_001407470.1); c.85-276A>T (NM_001407472.1, NM_001407471.1); and 5 more; short protein forms M262L, M293L, M296L, M303L, M321L, M331L, M38L.
Identifiers: ClinVar variation 4807274 (VCV004807274.1).

ClinVar aggregate classification (germline): Uncertain significance (1 of 4 stars; one submission).

Conditions:
Familial adenomatous polyposis 1 (FAP1). Also called: FAMILIAL ADENOMATOUS POLYPOSIS 1, ATTENUATED; POLYPOSIS, ADENOMATOUS INTESTINAL. Identifiers: MedGen C2713442, MONDO:0021056, OMIM 175100. Disease mechanism: loss of function.

Submission:

Labcorp Genetics (formerly Invitae), Labcorp
Classification: Uncertain significance for Familial adenomatous polyposis 1. Last evaluated: 2025-06-03. Review status: criteria provided, single submitter. Criteria: Invitae Variant Classification Sherloc (09022015). Collection method: clinical testing. Allele origin: germline.
Comment: This sequence change replaces methionine, which is neutral and non-polar, with leucine, which is neutral and non-polar, at codon 321 of the APC protein (p.Met321Leu). This variant is not present in population databases (gnomAD no frequency). This variant has not been reported in the literature in individuals affected with APC-related conditions. Invitae Evidence Modeling of protein sequence and biophysical properties (such as structural, functional, and spatial information, amino acid conservation, physicochemical variation, residue mobility, and thermodynamic stability) indicates that this missense variant is not expected to disrupt APC protein function with a negative predictive value of 95%. In summary, the available evidence is currently insufficient to determine the role of this variant in disease. Therefore, it has been classified as a Variant of Uncertain Significance.